The following is an entry in ClinVar:

ClinVar aggregate classification (germline): Likely pathogenic (1 of 4 stars; one submission).

Conditions:
Amyotrophic lateral sclerosis type 4 (ALS4). Also called: AMYOTROPHIC LATERAL SCLEROSIS 4, JUVENILE; NEURONOPATHY, DISTAL HEREDITARY MOTOR, WITH PYRAMIDAL FEATURES. Identifiers: Orphanet 357043, MedGen C1865409, MONDO:0011223, OMIM 602433.

Submission:

Clinical Genetics Laboratory, University Hospital Schleswig-Holstein
Classification: Likely pathogenic for Amyotrophic lateral sclerosis type 4. Last evaluated: 2025-01-14. Review status: criteria provided, single submitter. Criteria: ACMG Guidelines, 2015. Collection method: clinical testing. Allele origin: de novo. Affected: yes.
Comment: ACMG criteria applied: PM2, PP2, PP3, PS2_Moderate

NM_015046.7(SETX):c.1157T>C (p.Met386Thr)

Gene: SETX (senataxin; minus strand). Cytogenetic location: 9q34.13.
Variant type: single nucleotide variant.
Coding change: c.1157T>C on transcript NM_015046.7 (MANE Select); coding-DNA position 1157, T replaced by C.
Protein change: p.Met386Thr; replaces methionine 386 with threonine.
Molecular consequence: missense variant.
Genome position (GRCh38, 1-based): chr9:132,330,441, A>G on the plus strand (T>C on the coding strand, the complement: SETX is on the minus strand). VCF-style: chr9-132330441-A-G. GRCh37 (hg19) VCF-style: chr9-135205828-A-G.
Other names: c.1157T>C, p.Met386Thr (NM_001351527.2, NM_001351528.2); short protein forms M386T.
Identifiers: ClinVar variation 4081959 (VCV004081959.2).